The following is an entry in ClinVar:

ClinVar aggregate classification (germline): Uncertain significance (1 of 4 stars; one submission).

Conditions:
Epidermodysplasia verruciformis. Identifiers: Orphanet 302, MedGen C0014522, MONDO:0009176.

Submission:

Labcorp Genetics (formerly Invitae), Labcorp
Classification: Uncertain significance for Epidermodysplasia verruciformis. Last evaluated: 2022-07-12. Review status: criteria provided, single submitter. Criteria: Invitae Variant Classification Sherloc (09022015). Collection method: clinical testing. Allele origin: germline.
Comment: Algorithms developed to predict the effect of missense changes on protein structure and function are either unavailable or do not agree on the potential impact of this missense change (SIFT: "Not Available"; PolyPhen-2: "Benign"; Align-GVGD: "Not Available"). This sequence change replaces alanine, which is neutral and non-polar, with glycine, which is neutral and non-polar, at codon 495 of the TMC6 protein (p.Ala495Gly). This variant is not present in population databases (gnomAD no frequency). This variant has not been reported in the literature in individuals affected with TMC6-related conditions. ClinVar contains an entry for this variant (Variation ID: 972101). In summary, the available evidence is currently insufficient to determine the role of this variant in disease. Therefore, it has been classified as a Variant of Uncertain Significance.

NM_001127198.5(TMC6):c.1484C>G (p.Ala495Gly)

Gene: TMC6 (transmembrane channel like 6; minus strand). Cytogenetic location: 17q25.3.
Variant type: single nucleotide variant.
Coding change: c.1484C>G on transcript NM_001127198.5 (MANE Select); coding-DNA position 1484, C replaced by G.
Protein change: p.Ala495Gly; replaces alanine 495 with glycine.
Molecular consequence: missense variant.
Genome position (GRCh38, 1-based): chr17:78,121,064, G>C on the plus strand (C>G on the coding strand, the complement: TMC6 is on the minus strand). VCF-style: chr17-78121064-G-C. GRCh37 (hg19) VCF-style: chr17-76117145-G-C.
Other names: c.1484C>G, p.Ala495Gly (NM_001321185.1, NM_001374593.1, NM_001374594.1 and 4 more transcripts); short protein forms A495G.
Identifiers: ClinVar variation 972101 (VCV000972101.10), dbSNP rs1183083508, ClinGen allele CA401228208.